The following is an entry in ClinVar:

NM_000777.5(CYP3A5):c.72-152T>C

Genes: CYP3A5 (cytochrome P450 family 3 subfamily A member 5; minus strand), ZSCAN25 (zinc finger and SCAN domain containing 25; plus strand). Cytogenetic location: 7q22.1.
Variant type: single nucleotide variant.
Coding change: c.72-152T>C on transcript NM_000777.5 (MANE Select); 152 bases into the intron before coding-DNA position 72, T replaced by C.
Molecular consequence: intron variant. On other transcripts: 5 prime UTR variant (2), non-coding transcript variant (1).
Genome position (GRCh38, 1-based): chr7:99,676,360, A>G on the plus strand (T>C on the coding strand, the complement: CYP3A5 is on the minus strand). VCF-style: chr7-99676360-A-G. GRCh37 (hg19) VCF-style: chr7-99273983-A-G.
Other names: c.-552T>C (NM_001291829.2); c.-3T>C (NM_001291830.2); c.72-152T>C (NM_001190484.3).
Identifiers: ClinVar variation 3034635 (VCV003034635.2), dbSNP rs111960361, ClinGen allele CA4368783.
Genomic context (GRCh38, chr7:99,676,360, plus strand): 5'-AGGGAGGTAATATGTACACGATAAATAATAACAGCAACTCCAACATCAGTAATTGCATTC[A>G]CTCATCAGGTCCTTTCCTGACTATTCTGAGACCCCTGAAAAGTCTCAATGATTAGCTGAA-3'

ClinVar aggregate classification (germline): Likely benign (0 of 4 stars; one submission).

Conditions:
CYP3A5-related disorder. Also called: CYP3A5-related condition.

Allele frequency attached by ClinVar (database versions not stated): gnomAD exomes 0.00001; ExAC 0.00003; TOPMed 0.00008; gnomAD 0.00011.
gnomAD v4.1: 40 of 1,536,574 alleles (0.0026%); highest among the groups gnomAD compares: African/African-American, 0.045%; no homozygotes.

Submission:

PreventionGenetics, part of Exact Sciences
Classification: Likely benign for CYP3A5-related condition. Last evaluated: 2019-08-08. Review status: no assertion criteria provided. Collection method: clinical testing. Allele origin: germline.
Comment: This variant is classified as likely benign based on ACMG/AMP sequence variant interpretation guidelines (Richards et al. 2015 PMID: 25741868, with internal and published modifications).